The following is an entry in ClinVar:

ClinVar aggregate classification (germline): Uncertain significance. Review status: criteria provided, multiple submitters, no conflicts (2 of 4 stars). 2 submissions from 2 submitters: Uncertain significance (2). Last evaluated 2025-05-19.

Conditions:
Charcot-Marie-Tooth disease type 4. Also called: Charcot-Marie-Tooth disease, type IV; Charcot-Marie-Tooth, Type 4. Identifiers: Orphanet 64749, MedGen C4082197, MONDO:0018995.

Allele frequency attached by ClinVar (database versions not stated): gnomAD exomes below 0.00001.
gnomAD v4.1: 1 of 1,541,924 alleles (0.000065%); highest among the groups gnomAD compares: Middle Eastern, 0.017%; no homozygotes.

Submissions (2):

Mayo Clinic Laboratories, Mayo Clinic
Classification: Uncertain significance. Last evaluated: 2025-05-19. Review status: criteria provided, single submitter. Criteria: ACMG Guidelines, 2015. Collection method: clinical testing. Allele origin: germline. Observed: 1 variant allele.

Labcorp Genetics (formerly Invitae), Labcorp
Classification: Uncertain significance for Charcot-Marie-Tooth disease type 4. Last evaluated: 2021-05-29. Review status: criteria provided, single submitter. Criteria: Invitae Variant Classification Sherloc (09022015). Collection method: clinical testing. Allele origin: germline.
Comment: This variant is not present in population databases (ExAC no frequency). This variant has not been reported in the literature in individuals with FIG4-related conditions. Algorithms developed to predict the effect of missense changes on protein structure and function are either unavailable or do not agree on the potential impact of this missense change (SIFT: "Deleterious"; PolyPhen-2: "Probably Damaging"; Align-GVGD: "Class C0"). In summary, the available evidence is currently insufficient to determine the role of this variant in disease. Therefore, it has been classified as a Variant of Uncertain Significance. This sequence change replaces asparagine with isoleucine at codon 162 of the FIG4 protein (p.Asn162Ile). The asparagine residue is moderately conserved and there is a large physicochemical difference between asparagine and isoleucine.

NM_014845.6(FIG4):c.485A>T (p.Asn162Ile)

Gene: FIG4 (FIG4 phosphoinositide 5-phosphatase; plus strand). Cytogenetic location: 6q21.
Variant type: single nucleotide variant.
Coding change: c.485A>T on transcript NM_014845.6 (MANE Select); coding-DNA position 485, A replaced by T.
Protein change: p.Asn162Ile; replaces asparagine 162 with isoleucine.
Molecular consequence: missense variant.
Genome position (GRCh38, 1-based): chr6:109,732,675, A>T. VCF-style: chr6-109732675-A-T. GRCh37 (hg19) VCF-style: chr6-110053878-A-T.
Other names: p.Asn162Ile; c.485A>T (NM_014845.5); short protein forms N162I.
Identifiers: ClinVar variation 1357120 (VCV001357120.9), dbSNP rs2128385214, ClinGen allele CA365218447.